The following is an entry in ClinVar:

ClinVar aggregate classification (germline): Uncertain significance. Review status: criteria provided, single submitter (1 of 4 stars). 2 submissions from 2 submitters: Uncertain significance (1). 1 of the submissions does not count toward it. Last evaluated 2024-12-09.

Conditions:
Vici syndrome (VICIS). Identifiers: Orphanet 1493, MedGen C1855772, MONDO:0009452, OMIM 242840.

Allele frequency attached by ClinVar (database versions not stated): gnomAD 0.00001; TOPMed 0.00002; gnomAD exomes 0.00004 and 0.00006; ExAC 0.00005; ESP Exome Variant Server 0.00017.
gnomAD v4.1: 86 of 1,593,048 alleles (0.0054%); highest among the groups gnomAD compares: Non-Finnish European, 0.0073%; no homozygotes.

Submissions (2):

Labcorp Genetics (formerly Invitae), Labcorp
Classification: Uncertain significance for Vici syndrome. Last evaluated: 2024-12-09. Review status: criteria provided, single submitter. Criteria: Invitae Variant Classification Sherloc (09022015). Collection method: clinical testing. Allele origin: germline.
Comment: This sequence change replaces proline, which is neutral and non-polar, with leucine, which is neutral and non-polar, at codon 1663 of the EPG5 protein (p.Pro1663Leu). This variant is present in population databases (rs375606930, gnomAD 0.007%). This variant has not been reported in the literature in individuals affected with EPG5-related conditions. ClinVar contains an entry for this variant (Variation ID: 659220). Invitae Evidence Modeling of protein sequence and biophysical properties (such as structural, functional, and spatial information, amino acid conservation, physicochemical variation, residue mobility, and thermodynamic stability) indicates that this missense variant is not expected to disrupt EPG5 protein function with a negative predictive value of 80%. In summary, the available evidence is currently insufficient to determine the role of this variant in disease. Therefore, it has been classified as a Variant of Uncertain Significance.

Zotz-Klimas Genetics Lab, MVZ Zotz Klimas
Classification: Uncertain significance for Vici syndrome. Last evaluated: 2023-11-24. Review status: no assertion criteria provided. Collection method: clinical testing. Allele origin: germline. Affected: yes. Not counted in ClinVar's aggregate classification.

NM_020964.3(EPG5):c.4988C>T (p.Pro1663Leu)

Gene: EPG5 (ectopic P-granules 5 autophagy tethering factor; minus strand). Cytogenetic location: 18q12.3.
Variant type: single nucleotide variant.
Coding change: c.4988C>T on transcript NM_020964.3 (MANE Select); coding-DNA position 4988, C replaced by T.
Protein change: p.Pro1663Leu; replaces proline 1663 with leucine.
Molecular consequence: missense variant.
Genome position (GRCh38, 1-based): chr18:45,887,872, G>A on the plus strand (C>T on the coding strand, the complement: EPG5 is on the minus strand). VCF-style: chr18-45887872-G-A. GRCh37 (hg19) VCF-style: chr18-43467837-G-A.
Other names: c.4988C>T, p.Pro1663Leu (LRG_1234t1); short protein forms P1663L.
Identifiers: ClinVar variation 659220 (VCV000659220.8), dbSNP rs375606930, ClinGen allele CA8948700.